The following is an entry in ClinVar:

GRCh37/hg19 2q24.2(chr2:160229645-160357102)x1

Gene: BAZ2B (bromodomain adjacent to zinc finger domain 2B; minus strand). Cytogenetic location: 2q24.2.
Variant type: copy number loss.
Change: copy number 1 (one copy instead of two) of chr2:160,229,645-160,357,102 (127.5 kb, GRCh37 coordinates, 1-based), cytogenetic band 2q24.2.
Identifiers: ClinVar variation 1807740 (VCV001807740.1).

ClinVar aggregate classification (germline): Pathogenic (1 of 4 stars; one submission).

Submission:

Quest Diagnostics Nichols Institute San Juan Capistrano
Classification: Pathogenic. Last evaluated: 2021-08-16. Review status: criteria provided, single submitter. Criteria: ACMG/ClinGen CNV Guidelines, 2019. Collection method: clinical testing. Allele origin: unknown.
Comment: The copy number loss of 2q24.2 involves several exons of an intragenic portion of BAZ2B (OMIM 605683) and is expected to cause phenotypic and/or developmental abnormalities. Heterozygous de novo loss-of-function variants, including deletions of BAZ2B have been reported in multiple individuals with neurodevelopmental disorder. Cardinal features include developmental delay, intellectual disability, and autism spectrum disorder (Scott 2020, McRae 2017). Reference: Scott et al., Hum Mutat. 2020 May;41(5):921-925. PMID: 31999386 McRae et al., Nature. 2017 Feb 23;542(7642):433-438. PMID: 28135719